The following is an entry in ClinVar:

ClinVar aggregate classification (germline): Uncertain significance (1 of 4 stars; one submission).

Submission:

GeneDx
Classification: Uncertain significance. Last evaluated: 2025-07-13. Review status: criteria provided, single submitter. Criteria: GeneDx Variant Classification Process June 2021. Collection method: clinical testing. Allele origin: germline. Affected: yes.
Comment: Not observed at significant frequency in large population cohorts (gnomAD); In silico analysis suggests that this missense variant does not alter protein structure/function; In silico analysis suggests this variant may impact gene splicing. In the absence of RNA/functional studies, the actual effect of this sequence change is unknown; This variant is associated with the following publications: (PMID: 39601015)

NM_004208.4(AIFM1):c.1299C>G (p.Ile433Met)

Genes: AIFM1 (apoptosis inducing factor mitochondria associated 1; minus strand), RAB33A (RAB33A, member RAS oncogene family; plus strand). Cytogenetic location: Xq26.1.
Variant type: single nucleotide variant.
Coding change: c.1299C>G on transcript NM_004208.4 (MANE Select); coding-DNA position 1299, C replaced by G.
Protein change: p.Ile433Met; replaces isoleucine 433 with methionine.
Molecular consequence: missense variant. On other transcripts: 3 prime UTR variant (1), non-coding transcript variant (1).
Genome position (GRCh38, 1-based): chrX:130,136,051, G>C on the plus strand (C>G on the coding strand, the complement: AIFM1 is on the minus strand). VCF-style: chrX-130136051-G-C. GRCh37 (hg19) VCF-style: chrX-129270026-G-C.
Other names: c.282C>G, p.Ile94Met (NM_001130846.4); c.*527C>G (NM_001130847.4); c.1287C>G, p.Ile429Met (NM_145812.3); short protein forms I429M, I433M, I94M.
Identifiers: ClinVar variation 4686226 (VCV004686226.1).